The following is an entry in ClinVar:

NM_014026.6(DCPS):c.260C>T (p.Thr87Met)

Gene: DCPS (decapping enzyme, scavenger; plus strand). Cytogenetic location: 11q24.2.
Variant type: single nucleotide variant.
Coding change: c.260C>T on transcript NM_014026.6 (MANE Select); coding-DNA position 260, C replaced by T.
Protein change: p.Thr87Met; replaces threonine 87 with methionine.
Molecular consequence: missense variant.
Genome position (GRCh38, 1-based): chr11:126,306,628, C>T. VCF-style: chr11-126306628-C-T. GRCh37 (hg19) VCF-style: chr11-126176523-C-T.
Other names: DCPS, THR87MET (rs138737928); c.281C>T, p.Thr94Met (NM_001350236.2); short protein forms T87M, T94M.
Identifiers: ClinVar variation 638276 (VCV000638276.2), dbSNP rs138737928, ClinGen allele CA6354934.

ClinVar aggregate classification (germline): Uncertain significance. Review status: criteria provided, single submitter (1 of 4 stars). 2 submissions from 2 submitters: Uncertain significance (1). 1 of the submissions does not count toward it. Last evaluated 2026-04-08.

Conditions:
Al-Raqad syndrome. Identifiers: MedGen C4085595, MONDO:0014648, OMIM 616459.

Allele frequency attached by ClinVar (database versions not stated): ExAC 0.00004; gnomAD exomes 0.00006; ESP Exome Variant Server 0.00008; gnomAD 0.00008; TOPMed 0.00009.
gnomAD v4.1: 55 of 1,613,708 alleles (0.0034%); highest among the groups gnomAD compares: Middle Eastern, 0.016%; no homozygotes.

Submissions (2):

Women's Health and Genetics/Laboratory Corporation of America, LabCorp
Classification: Uncertain significance. Last evaluated: 2026-04-08. Review status: criteria provided, single submitter. Criteria: LabCorp Variant Classification Summary - May 2015. Collection method: clinical testing. Allele origin: germline.
Comment: Variant summary: DCPS c.260C>T (p.Thr87Met) results in a non-conservative amino acid change in the encoded protein sequence. Algorithms developed to predict the effect of missense changes on protein structure and function are either unavailable or do not agree on the potential impact of this missense change. The variant allele was found at a frequency of 5.6e-05 in 250852 control chromosomes (gnomAD). This frequency is not significantly higher than estimated for disease-causing variants in DCPS, allowing no conclusion about variant significance. c.260C>T has been observed in at least one homozygous individual affected with Al-Raqad Syndrome (Alesi_2018). These data indicate that the variant may be associated with disease. To our knowledge, no experimental evidence demonstrating an impact on protein function has been reported. The following publication have been ascertained in the context of this evaluation (PMID: 30289615). ClinVar contains an entry for this variant (Variation ID: 638276). Based on the evidence outlined above, the variant was classified as VUS-possibly pathogenic.

OMIM
Classification: Pathogenic for AL-RAQAD SYNDROME. Last evaluated: 2019-07-29. Review status: no assertion criteria provided. Collection method: literature only. Allele origin: germline. Not counted in ClinVar's aggregate classification.

Literature cited by the submitters: PubMed 30289615 (cited by Women's Health and Genetics/Laboratory Corporation of America, LabCorp and OMIM); PubMed 25712129 (cited by OMIM).